The following is an entry in ClinVar:

NM_014991.6(WDFY3):c.9343A>G (p.Lys3115Glu)

Gene: WDFY3 (WD repeat and FYVE domain containing 3; minus strand). Cytogenetic location: 4q21.23.
Variant type: single nucleotide variant.
Coding change: c.9343A>G on transcript NM_014991.6 (MANE Select); coding-DNA position 9343, A replaced by G.
Protein change: p.Lys3115Glu; replaces lysine 3115 with glutamic acid.
Molecular consequence: missense variant.
Genome position (GRCh38, 1-based): chr4:84,690,526, T>C on the plus strand (A>G on the coding strand, the complement: WDFY3 is on the minus strand). VCF-style: chr4-84690526-T-C. GRCh37 (hg19) VCF-style: chr4-85611679-T-C.
Other names: short protein forms K3115E.
Identifiers: ClinVar variation 3902941 (VCV003902941.1).

ClinVar aggregate classification (germline): Uncertain significance (1 of 4 stars; one submission).

Submission:

GeneDx
Classification: Uncertain significance. Last evaluated: 2024-12-10. Review status: criteria provided, single submitter. Criteria: GeneDx Variant Classification Process June 2021. Collection method: clinical testing. Allele origin: germline. Affected: yes.
Comment: Not observed at significant frequency in large population cohorts (gnomAD); In silico analysis supports that this missense variant has a deleterious effect on protein structure/function; Has not been previously published as pathogenic or benign to our knowledge